The following is an entry in ClinVar:

NM_003809.3(TNFSF12):c.245C>T (p.Ala82Val)

Genes: TNFSF12 (TNF superfamily member 12; plus strand), TNFSF12-TNFSF13 (TNFSF12-TNFSF13 readthrough; plus strand). Cytogenetic location: 17p13.1.
Variant type: single nucleotide variant.
Coding change: c.245C>T on transcript NM_003809.3 (MANE Select); coding-DNA position 245, C replaced by T.
Protein change: p.Ala82Val; replaces alanine 82 with valine.
Molecular consequence: missense variant. On other transcripts: non-coding transcript variant (1).
Genome position (GRCh38, 1-based): chr17:7,550,157, C>T. VCF-style: chr17-7550157-C-T. GRCh37 (hg19) VCF-style: chr17-7453474-C-T.
Other names: c.245C>T, p.Ala82Val (NM_172089.4); short protein forms A82V.
Identifiers: ClinVar variation 933662 (VCV000933662.11), dbSNP rs370085069, ClinGen allele CA8350732.

ClinVar aggregate classification (germline): Uncertain significance. Review status: criteria provided, multiple submitters, no conflicts (2 of 4 stars). 2 submissions from 2 submitters: Uncertain significance (2). Last evaluated 2025-12-15.

Conditions:
TNFSF12-related disorder. Also called: TNFSF12-related condition.
Common variable immunodeficiency (CVID). Also called: Common variable hypogamma-globulinemia; Common variable agammaglobulinemia. Identifiers: Orphanet 1572, MedGen C0009447, MONDO:0015517.

Allele frequency attached by ClinVar (database versions not stated): gnomAD exomes 0.00002 and 0.00003; ExAC 0.00005; TOPMed 0.00006; ESP Exome Variant Server 0.00008; 1000 Genomes Project 30x 0.00016; 1000 Genomes Project 0.00020.
gnomAD v4.1: 48 of 1,614,118 alleles (0.003%); highest among the groups gnomAD compares: East Asian, 0.025%; no homozygotes.

Submissions (2):

Labcorp Genetics (formerly Invitae), Labcorp
Classification: Uncertain significance for Common variable immunodeficiency. Last evaluated: 2025-12-15. Review status: criteria provided, single submitter. Criteria: Invitae Variant Classification Sherloc (09022015). Collection method: clinical testing. Allele origin: germline.
Comment: This sequence change replaces alanine, which is neutral and non-polar, with valine, which is neutral and non-polar, at codon 82 of the TNFSF12 protein (p.Ala82Val). This variant is present in population databases (rs370085069, gnomAD 0.008%). This variant has not been reported in the literature in individuals affected with TNFSF12-related conditions. ClinVar contains an entry for this variant (Variation ID: 933662). An algorithm developed to predict the effect of missense changes on protein structure and function outputs the following: PolyPhen-2: "Benign". The valine amino acid residue is found in multiple mammalian species, which suggests that this missense change does not adversely affect protein function. In summary, the available evidence is currently insufficient to determine the role of this variant in disease. Therefore, it has been classified as a Variant of Uncertain Significance.

PreventionGenetics, part of Exact Sciences
Classification: Uncertain significance for TNFSF12-related condition. Last evaluated: 2022-12-07. Review status: criteria provided, single submitter. Criteria: ACMG Guidelines, 2015. Collection method: clinical testing. Allele origin: germline.
Comment: The TNFSF12 c.245C>T variant is predicted to result in the amino acid substitution p.Ala82Val. To our knowledge, this variant has not been reported in the literature. This variant is reported in 0.0080% of alleles in individuals of African descent in gnomAD. At this time, the clinical significance of this variant is uncertain due to the absence of conclusive functional and genetic evidence.